The following is an entry in ClinVar:

NM_003000.3(SDHB):c.638T>A (p.Met213Lys)

Gene: SDHB (succinate dehydrogenase complex iron sulfur subunit B; minus strand). Cytogenetic location: 1p36.13.
Variant type: single nucleotide variant.
Coding change: c.638T>A on transcript NM_003000.3 (MANE Select); coding-DNA position 638, T replaced by A.
Protein change: p.Met213Lys; replaces methionine 213 with lysine.
Molecular consequence: missense variant.
Genome position (GRCh38, 1-based): chr1:17,023,977, A>T on the plus strand (T>A on the coding strand, the complement: SDHB is on the minus strand). VCF-style: chr1-17023977-A-T. GRCh37 (hg19) VCF-style: chr1-17350472-A-T.
Other names: c.584T>A, p.Met195Lys (NM_001407361.1); short protein forms M195K, M213K.
Identifiers: ClinVar variation 5029282 (VCV005029282.1).

ClinVar aggregate classification (germline): Uncertain significance (1 of 4 stars; one submission).

Conditions:
Hereditary cancer-predisposing syndrome. Also called: Neoplastic Syndromes, Hereditary; Tumor predisposition; Hereditary neoplastic syndrome; Hereditary Cancer Syndrome. Identifiers: Orphanet 140162, MedGen C0027672, MeSH D009386, MONDO:0015356.

Submission:

Ambry Genetics
Classification: Uncertain significance for Hereditary cancer-predisposing syndrome. Last evaluated: 2026-07-07. Review status: criteria provided, single submitter. Criteria: Ambry Variant Classification Scheme 2023. Collection method: clinical testing. Allele origin: germline.
Comment: The p.M213K variant (also known as c.638T>A), located in coding exon 6 of the SDHB gene, results from a T to A substitution at nucleotide position 638. The methionine at codon 213 is replaced by lysine, an amino acid with similar properties. This amino acid position is conserved. In addition, this alteration is predicted to be deleterious by in silico analysis. Based on the available evidence, the clinical significance of this variant remains unclear.